The following is an entry in ClinVar:

ClinVar aggregate classification (germline): Pathogenic (1 of 4 stars; one submission).

Conditions:
Autosomal recessive nonsyndromic hearing loss 21. Identifiers: Orphanet 90636, MedGen C1863655, MONDO:0011351, OMIM 603629.

gnomAD v4.1: 3 of 1,613,528 alleles (0.00019%); highest among the groups gnomAD compares: East Asian, 0.0067%; no homozygotes.

Submission:

Juno Genomics, Hangzhou Juno Genomics, Inc
Classification: Pathogenic for Autosomal recessive nonsyndromic hearing loss 21. Review status: criteria provided, single submitter. Criteria: ACMG Guidelines, 2015. Collection method: clinical testing. Allele origin: germline.
Comment: Absent from controls (or at extremely low frequency if recessive) in Genome Aggregation Database.;Null variant in a gene where loss of function (LOF) is a known mechanism of disease.;For recessive disorders, detected in trans with a pathogenic variant.

NM_005422.4(TECTA):c.6250+2T>G

Genes: TBCEL-TECTA (TBCEL-TECTA readthrough; plus strand), TECTA (tectorin alpha; plus strand). Cytogenetic location: 11q23.3.
Variant type: single nucleotide variant.
Coding change: c.6250+2T>G on transcript NM_005422.4 (MANE Select); the canonical splice donor site of the intron after coding-DNA position 6250, T replaced by G.
Molecular consequence: splice donor variant.
Genome position (GRCh38, 1-based): chr11:121,189,169, T>G. VCF-style: chr11-121189169-T-G. GRCh37 (hg19) VCF-style: chr11-121059878-T-G.
Other names: c.7192+2T>G (NM_001378761.1).
Identifiers: ClinVar variation 5019508 (VCV005019508.2).
Genomic context (GRCh38, chr11:121,189,169, plus strand): 5'-AGATTACACAAAAGAGCCCAAAGAACAGATCATTTCAGTGGGACCTATTAGGAGAAAAAG[T>G]ATGTATGTTCCCTAAAACACACCCTAAATTATTAAAACAACGGGATTTCAAGGCTCAGAT-3'